The following is an entry in ClinVar:

ClinVar aggregate classification (germline): Uncertain significance (1 of 4 stars; one submission).

Submission:

Labcorp Genetics (formerly Invitae), Labcorp
Classification: Uncertain significance. Last evaluated: 2022-08-06. Review status: criteria provided, single submitter. Criteria: Invitae Variant Classification Sherloc (09022015). Collection method: clinical testing. Allele origin: germline.
Comment: In summary, the available evidence is currently insufficient to determine the role of this variant in disease. Therefore, it has been classified as a Variant of Uncertain Significance. Algorithms developed to predict the effect of missense changes on protein structure and function are either unavailable or do not agree on the potential impact of this missense change (SIFT: "Tolerated"; PolyPhen-2: "Probably Damaging"; Align-GVGD: "Class C0"). This variant has not been reported in the literature in individuals affected with KIDINS220-related conditions. This variant is not present in population databases (gnomAD no frequency). This sequence change replaces valine, which is neutral and non-polar, with isoleucine, which is neutral and non-polar, at codon 784 of the KIDINS220 protein (p.Val784Ile).

NM_020738.4(KIDINS220):c.2350G>A (p.Val784Ile)

Gene: KIDINS220 (kinase D interacting substrate 220; minus strand). Cytogenetic location: 2p25.1.
Variant type: single nucleotide variant.
Coding change: c.2350G>A on transcript NM_020738.4 (MANE Select); coding-DNA position 2350, G replaced by A.
Protein change: p.Val784Ile; replaces valine 784 with isoleucine.
Molecular consequence: missense variant. On other transcripts: non-coding transcript variant (2).
Genome position (GRCh38, 1-based): chr2:8,779,694, C>T on the plus strand (G>A on the coding strand, the complement: KIDINS220 is on the minus strand). VCF-style: chr2-8779694-C-T. GRCh37 (hg19) VCF-style: chr2-8919824-C-T.
Other names: c.2353G>A, p.Val785Ile (NM_001348729.2, NM_001348731.2, NM_001348734.2 and 3 more transcripts); c.2350G>A, p.Val784Ile (NM_001348732.2, NM_001348735.2, NM_001348738.2 and 3 more transcripts); c.2224G>A, p.Val742Ile (NM_001348736.2); short protein forms V742I, V784I, V785I.
Identifiers: ClinVar variation 1715298 (VCV001715298.5), dbSNP rs2527932013, ClinGen allele CA345760513.